The following is an entry in ClinVar:

NM_015474.4(SAMHD1):c.224delinsACA (p.Gly75fs)

Gene: SAMHD1 (SAM and HD domain containing deoxynucleoside triphosphate triphosphohydrolase 1; minus strand). Cytogenetic location: 20q11.23.
Variant type: Indel.
Coding change: c.224delinsACA on transcript NM_015474.4 (MANE Select); coding-DNA position 224, G replaced by ACA.
Protein change: p.Gly75fs; shifts the reading frame from glycine 75.
Molecular consequence: frameshift variant.
Genome position (GRCh38, 1-based): chr20:36,946,789, C replaced by TGT on the plus strand (G replaced by ACA on the coding strand, the reverse complement: SAMHD1 is on the minus strand). VCF-style: chr20-36946789-C-TGT. GRCh37 (hg19) VCF-style: chr20-35575192-C-TGT.
Other names: c.224delinsACA, p.Gly75fs (NM_001363729.2, NM_001363733.2); short protein forms G75fs.
Identifiers: ClinVar variation 4815855 (VCV004815855.1).

ClinVar aggregate classification (germline): Likely pathogenic (1 of 4 stars; one submission).

Conditions:
Aicardi Goutieres syndrome (AGS). Also called: Encephalopathy, familial infantile, with calcification of basal ganglia and chronic cerebrospinal fluid lymphocytosis. Identifiers: Orphanet 51, MedGen C0393591, MONDO:0018866.

Submission:

Natera, Inc.
Classification: Likely pathogenic for Aicardi-Goutieres syndrome. Last evaluated: 2024-03-11. Review status: criteria provided, single submitter. Criteria: Natera Variant Classification Schema (03/2026). Collection method: clinical testing. Allele origin: germline.
Comment: The c.224delGinsACA variant in SAMHD1 is a frameshift variant predicted to shift the reading frame beginning at codon 75 and leads to a stop codon 18 codons downstream. This variant is expected to result in nonsense mediated decay, truncation, or a dysfunctional protein product. This variant is rare in the general population with a frequency below the threshold expected for the associated phenotype(s). Given the available evidence, this variant is classified as Likely Pathogenic.